The following is an entry in ClinVar:

ClinVar aggregate classification (germline): Benign/Likely benign. Review status: criteria provided, multiple submitters, no conflicts (2 of 4 stars). 7 submissions from 6 submitters: Benign (1); Likely benign (5). 1 of the submissions does not count toward it. Last evaluated 2026-01-27.

Conditions:
VAPB-related disorder. Also called: VAPB-related condition.
Amyotrophic lateral sclerosis type 8 (ALS8). Identifiers: Orphanet 803, MedGen C1837728, MONDO:0012077, OMIM 608627.
Inborn genetic diseases. Identifiers: MedGen C0950123, MeSH D030342.
Adult-onset proximal spinal muscular atrophy, autosomal dominant. Also called: FINKEL LATE-ADULT TYPE SMA; Spinal muscular atrophy, late-onset, finkel type. Identifiers: Orphanet 209335, MedGen C1854058, MONDO:0008453, OMIM 182980.

Allele frequency attached by ClinVar (database versions not stated): gnomAD exomes 0.00016; TOPMed 0.00019; gnomAD 0.00020 and 0.00021; ExAC 0.00022; ESP Exome Variant Server 0.00023.
gnomAD v4.1: 460 of 1,613,722 alleles (0.029%); highest among the groups gnomAD compares: Non-Finnish European, 0.037%; 1 homozygote.

Submissions (7):

Labcorp Genetics (formerly Invitae), Labcorp
Classification: Likely benign for Adult-onset proximal spinal muscular atrophy, autosomal dominant; Amyotrophic lateral sclerosis type 8. Last evaluated: 2026-01-27. Review status: criteria provided, single submitter. Criteria: Invitae Variant Classification Sherloc (09022015). Collection method: clinical testing. Allele origin: germline.

GeneDx
Classification: Likely benign. Last evaluated: 2021-04-14. Review status: criteria provided, single submitter. Criteria: GeneDx Variant Classification Process June 2021. Collection method: clinical testing. Allele origin: germline. Affected: yes.

Ambry Genetics
Classification: Likely benign for Inborn genetic diseases. Last evaluated: 2019-07-11. Review status: criteria provided, single submitter. Criteria: Ambry Variant Classification Scheme 2023. Collection method: clinical testing. Allele origin: germline.

Athena Diagnostics
Classification: Benign. Last evaluated: 2018-03-14. Review status: criteria provided, single submitter. Criteria: Athena Diagnostics Criteria. Collection method: clinical testing. Allele origin: germline.

Illumina Laboratory Services, Illumina
Classification: Likely benign for Adult-onset proximal spinal muscular atrophy, autosomal dominant. Last evaluated: 2018-01-13. Review status: criteria provided, single submitter. Criteria: ICSL Variant Classification Criteria 13 December 2019. Collection method: clinical testing. Allele origin: germline.
Comment: This variant was observed in the ICSL laboratory as part of a predisposition screen in an ostensibly healthy population. It had not been previously curated by ICSL or reported in the Human Gene Mutation Database (HGMD: prior to June 1st, 2018), and was therefore a candidate for classification through an automated scoring system. Utilizing variant allele frequency, disease prevalence and penetrance estimates, and inheritance mode, an automated score was calculated to assess if this variant is too frequent to cause the disease. Based on the score and internal cut-off values, a variant classified as likely benign is not then subjected to further curation. The score for this variant resulted in a classification of likely benign for this disease.

Illumina Laboratory Services, Illumina
Classification: Likely benign for Amyotrophic lateral sclerosis type 8. Last evaluated: 2018-01-13. Review status: criteria provided, single submitter. Criteria: ICSL Variant Classification Criteria 13 December 2019. Collection method: clinical testing. Allele origin: germline.
Comment: the same text as in the submission from Illumina Laboratory Services, Illumina above.

PreventionGenetics, part of Exact Sciences
Classification: Likely benign for VAPB-related condition. Last evaluated: 2019-05-23. Review status: no assertion criteria provided. Collection method: clinical testing. Allele origin: germline. Not counted in ClinVar's aggregate classification.
Comment: This variant is classified as likely benign based on ACMG/AMP sequence variant interpretation guidelines (Richards et al. 2015 PMID: 25741868, with internal and published modifications).

NM_004738.5(VAPB):c.492C>T (p.Thr164=)

Gene: VAPB (VAMP associated protein B and C; plus strand). Cytogenetic location: 20q13.32.
Variant type: single nucleotide variant.
Coding change: c.492C>T on transcript NM_004738.5 (MANE Select); coding-DNA position 492, C replaced by T.
Protein change: p.Thr164=; no amino-acid change (threonine 164 retained).
Molecular consequence: synonymous variant. On other transcripts: non-coding transcript variant (1), intron variant (1).
Genome position (GRCh38, 1-based): chr20:58,441,002, C>T. VCF-style: chr20-58441002-C-T. GRCh37 (hg19) VCF-style: chr20-57016058-C-T.
Other names: c.212-3075C>T (NM_001195677.2).
Identifiers: ClinVar variation 465874 (VCV000465874.25), dbSNP rs139884809, ClinGen allele CA9924270.